The following is an entry in ClinVar:

ClinVar aggregate classification (germline): Uncertain significance (1 of 4 stars; one submission).

Allele frequency attached by ClinVar (database versions not stated): gnomAD exomes below 0.00001; TOPMed below 0.00001; gnomAD 0.00001.
gnomAD v4.1: 2 of 1,613,574 alleles (0.00012%); highest among the groups gnomAD compares: Non-Finnish European, 0.00017%; no homozygotes.

Submission:

Labcorp Genetics (formerly Invitae), Labcorp
Classification: Uncertain significance. Last evaluated: 2021-11-24. Review status: criteria provided, single submitter. Criteria: Invitae Variant Classification Sherloc (09022015). Collection method: clinical testing. Allele origin: germline.
Comment: This variant has not been reported in the literature in individuals affected with GCKR-related conditions. This sequence change replaces threonine, which is neutral and polar, with alanine, which is neutral and non-polar, at codon 482 of the GCKR protein (p.Thr482Ala). This variant is not present in population databases (gnomAD no frequency). Algorithms developed to predict the effect of missense changes on protein structure and function (SIFT, PolyPhen-2, Align-GVGD) all suggest that this variant is likely to be disruptive. In summary, the available evidence is currently insufficient to determine the role of this variant in disease. Therefore, it has been classified as a Variant of Uncertain Significance.

NM_001486.4(GCKR):c.1444A>G (p.Thr482Ala)

Gene: GCKR (glucokinase regulator; plus strand). Cytogenetic location: 2p23.3.
Variant type: single nucleotide variant.
Coding change: c.1444A>G on transcript NM_001486.4 (MANE Select); coding-DNA position 1444, A replaced by G.
Protein change: p.Thr482Ala; replaces threonine 482 with alanine.
Molecular consequence: missense variant.
Genome position (GRCh38, 1-based): chr2:27,518,809, A>G. VCF-style: chr2-27518809-A-G. GRCh37 (hg19) VCF-style: chr2-27741676-A-G.
Other names: short protein forms T482A.
Identifiers: ClinVar variation 1410866 (VCV001410866.6), dbSNP rs746479378, ClinGen allele CA44497669.
Genomic context (GRCh38, chr2:27,518,809, plus strand): 5'-CTCTAATTTTTGACACCCCCATGTGTCTGCCCTTTTCAGAAGTTCCAGCGTGAGCTAAGC[A>G]CCAAATGGGTGCTGAATACAGTGAGTACAGGTGCTCATGTGCTTCTTGGTAAGATCCTAC-3'
Protein context (NP_001477.2, residues 472-492): FIQKFQRELS[Thr482Ala]KWVLNTVSTG